The following is an entry in ClinVar:

NM_001130987.2(DYSF):c.2147C>T (p.Ala716Val)

Gene: DYSF (dysferlin; plus strand). Cytogenetic location: 2p13.2.
Variant type: single nucleotide variant.
Coding change: c.2147C>T on transcript NM_001130987.2 (MANE Select); coding-DNA position 2147, C replaced by T.
Protein change: p.Ala716Val; replaces alanine 716 with valine.
Molecular consequence: missense variant.
Genome position (GRCh38, 1-based): chr2:71,556,002, C>T. VCF-style: chr2-71556002-C-T. GRCh37 (hg19) VCF-style: chr2-71783132-C-T.
Other names: c.2096C>T, p.Ala699Val (NM_001130455.2, NM_001130983.2); c.2051C>T, p.Ala684Val (NM_001130976.2, NM_001130977.2); c.2093C>T, p.Ala698Val (NM_001130978.2, NM_003494.4); c.2186C>T, p.Ala729Val (NM_001130979.2); c.2144C>T, p.Ala715Val (NM_001130980.2, NM_001130981.2); c.2189C>T, p.Ala730Val (NM_001130982.2); c.2054C>T, p.Ala685Val (NM_001130984.2, NM_001130986.2); c.2147C>T, p.Ala716Val (NM_001130985.2); short protein forms A716V, A698V, A684V, A685V, A699V, A715V, A730V, A729V.
Identifiers: ClinVar variation 283228 (VCV000283228.24), dbSNP rs145007061, ClinGen allele CA1706065.
Genomic context (GRCh38, chr2:71,556,002, plus strand): 5'-ACCCTTGCCTGCCCATTCCACAGGAAGCTGGCCTGGAGCAGGTCCACCTGGCCCTGAAGG[C>T]GCAGTGCTCCACGGAGGACGTGGACTCGCTGGTGGCTCAGCTGACGGATGAGCTCATCGC-3'
Protein context (NP_001124459.1, residues 706-726): GLEQVHLALK[Ala716Val]QCSTEDVDSL

ClinVar aggregate classification (germline): Conflicting classifications of pathogenicity. Review status: criteria provided, conflicting classifications (1 of 4 stars). 8 submissions from 8 submitters: Uncertain significance (5); Likely benign (2). 1 of the submissions does not count toward it. Last evaluated 2026-01-31.

Conditions:
DYSF-related disorder. Also called: DYSF-related condition; DYSF-related disorders.
Autosomal recessive limb-girdle muscular dystrophy type 2B (LGMDR2). Also called: Limb-Girdle Muscular Dystrophy Type 2B (LGMD2B); Limb-girdle muscular dystrophy, type 2B; MUSCULAR DYSTROPHY, LIMB-GIRDLE, TYPE 3; MUSCULAR DYSTROPHY, LIMB-GIRDLE, AUTOSOMAL RECESSIVE 2. Identifiers: Orphanet 268, MedGen C1850889, MONDO:0009676, OMIM 253601.
Autosomal recessive limb-girdle muscular dystrophy. Identifiers: Orphanet 102015, MedGen C2931907, MONDO:0015152.
Neuromuscular disease caused by qualitative or quantitative defects of dysferlin. Also called: Dysferlinopathy; Qualitative or quantitative defects of dysferlin. Identifiers: Orphanet 207073, MedGen C2931687, MONDO:0016145.

Allele frequency attached by ClinVar (database versions not stated): gnomAD exomes 0.00009 and 0.00018; ExAC 0.00041; 1000 Genomes Project 30x 0.00062; 1000 Genomes Project 0.00080; gnomAD 0.00081 and 0.00087; ESP Exome Variant Server 0.00085; TOPMed 0.00089.
gnomAD v4.1: 246 of 1,574,000 alleles (0.016%); highest among the groups gnomAD compares: African/African-American, 0.23%; no homozygotes.

Submissions (9):

Labcorp Genetics (formerly Invitae), Labcorp
Classification: Likely benign for Neuromuscular disease caused by qualitative or quantitative defects of dysferlin. Last evaluated: 2026-01-31. Review status: criteria provided, single submitter. Criteria: Invitae Variant Classification Sherloc (09022015). Collection method: clinical testing. Allele origin: germline.

Myriad Genetics, Inc.
Classification: Uncertain significance for Autosomal recessive limb-girdle muscular dystrophy. Last evaluated: 2025-08-08. Review status: criteria provided, single submitter. Criteria: Myriad Autosomal Dominant, Autosomal Recessive and X-Linked Classification Criteria (2023). Collection method: clinical testing. Allele origin: unknown.
Comment: NM_003494.3(DYSF):c.2093C>T(A698V) is a missense variant classified as a variant of uncertain significance in the context of dysferlinopathy. A698V has been observed in a case with relevant disease (PMID: 39678382). Relevant functional assessments of this variant are not available in the literature. A698V has been observed in referenced population frequency databases. In summary, there is insufficient evidence to classify NM_003494.3(DYSF):c.2093C>T(A698V) as pathogenic or benign. Please note: this variant was assessed in the context of healthy population screening.

GeneDx
Classification: Uncertain significance. Last evaluated: 2025-02-09. Review status: criteria provided, single submitter. Criteria: GeneDx Variant Classification Process June 2021. Collection method: clinical testing. Allele origin: germline. Affected: yes.
Comment: Reported previously in the heterozygous state in an individual presenting with severe muscle weakness who was ultimately diagnosed with anti-3-hydroxy-3-methylglutaryl-coenzyme A reductase (anti-HMG-CoA) immune-mediated necrotizing myositis (IMNM) after receiving COVID-19 vaccine (PMID: 37275628); In silico analysis supports that this missense variant has a deleterious effect on protein structure/function; This variant is associated with the following publications: (PMID: 24438169, 37275628)

PreventionGenetics, part of Exact Sciences
Classification: Likely benign for DYSF-related condition. Last evaluated: 2024-10-16. Review status: criteria provided, single submitter. Criteria: ACMG Guidelines, 2015. Collection method: clinical testing. Allele origin: germline.
Comment: This variant is classified as likely benign based on ACMG/AMP sequence variant interpretation guidelines (Richards et al. 2015 PMID: 25741868, with internal and published modifications).

Revvity Omics, Revvity
Classification: Uncertain significance. Last evaluated: 2022-12-01. Review status: criteria provided, single submitter. Criteria: ACMG Guidelines, 2015. Collection method: clinical testing. Allele origin: germline.

Athena Diagnostics
Classification: Uncertain significance. Last evaluated: 2019-02-27. Review status: criteria provided, single submitter. Criteria: Athena Diagnostics Criteria. Collection method: clinical testing. Allele origin: germline.

Eurofins Ntd Llc (ga)
Classification: Uncertain significance. Last evaluated: 2017-06-06. Review status: criteria provided, single submitter. Criteria: EGL Classification Definitions 2015. Collection method: clinical testing. Allele origin: germline. Observed: 4 variant alleles, 4 heterozygotes.

Natera, Inc.
Classification: Likely benign for Limb-girdle muscular dystrophy type 2B. Last evaluated: 2020-04-23. Review status: no assertion criteria provided. Collection method: clinical testing. Allele origin: germline. Not counted in ClinVar's aggregate classification.

Dr. Peter K. Rogan Lab, Western University
No classification provided (evidence only). Condition: Cervical cancer. Review status: no classification provided. Collection method: in vitro. Allele origin: not applicable. Functional consequence: retained intron. Not counted in ClinVar's aggregate classification.

Literature cited by the submitters: PubMed 39678382 (cited by Myriad Genetics, Inc.).